The following is an entry in ClinVar:

ClinVar aggregate classification (germline): Benign. Review status: criteria provided, multiple submitters, no conflicts (2 of 4 stars). 6 submissions from 6 submitters: Benign (5). 1 of the submissions does not count toward it. Last evaluated 2026-02-02.

Conditions:
Retinal cone dystrophy 4 (RCD4). Identifiers: Orphanet 1872, MedGen C1864849, MONDO:0012507, OMIM 610478.

Allele frequency attached by ClinVar (database versions not stated): ExAC 0.10743; 1000 Genomes Project 0.12720; 1000 Genomes Project 30x 0.13039; TOPMed 0.13657; gnomAD 0.13672 and 0.14052; ESP Exome Variant Server 0.14099.
gnomAD v4.1: 170,612 of 1,613,590 alleles (11%); highest among the groups gnomAD compares: African/African-American, 24%; 10,238 homozygotes.

Submissions (6):

Labcorp Genetics (formerly Invitae), Labcorp
Classification: Benign. Last evaluated: 2026-02-02. Review status: criteria provided, single submitter. Criteria: Invitae Variant Classification Sherloc (09022015). Collection method: clinical testing. Allele origin: germline.

Blueprint Genetics
Classification: Benign. Last evaluated: 2024-11-27. Review status: criteria provided, single submitter. Criteria: ACMG Guidelines, 2015. Collection method: clinical testing. Allele origin: germline.

Illumina Laboratory Services, Illumina
Classification: Benign for Retinal cone dystrophy 4. Last evaluated: 2018-01-12. Review status: criteria provided, single submitter. Criteria: ICSL Variant Classification Criteria 13 December 2019. Collection method: clinical testing. Allele origin: germline.
Comment: This variant was observed in the ICSL laboratory as part of a predisposition screen in an ostensibly healthy population. It had not been previously curated by ICSL or reported in the Human Gene Mutation Database (HGMD: prior to June 1st, 2018), and was therefore a candidate for classification through an automated scoring system. Utilizing variant allele frequency, disease prevalence and penetrance estimates, and inheritance mode, an automated score was calculated to assess if this variant is too frequent to cause the disease. Based on the score and internal cut-off values, a variant classified as benign is not then subjected to further curation. The score for this variant resulted in a classification of benign for this disease.

Breakthrough Genomics
Classification: Benign. Review status: criteria provided, single submitter. Criteria: ACMG Guidelines, 2015. Collection method: not provided. Allele origin: germline. Inheritance: Autosomal recessive inheritance. Affected: yes.

PreventionGenetics, part of Exact Sciences
Classification: Benign. Review status: criteria provided, single submitter. Criteria: ACMG Guidelines, 2015. Collection method: clinical testing. Allele origin: germline.

NEI Ophthalmic Genomics Laboratory, National Institutes of Health
No classification provided. Review status: no classification provided. Collection method: not provided. Allele origin: not provided. Not counted in ClinVar's aggregate classification.

NM_172364.5(CACNA2D4):c.2517G>A (p.Ala839=)

Gene: CACNA2D4 (calcium voltage-gated channel auxiliary subunit alpha2delta 4; minus strand). Cytogenetic location: 12p13.33.
Variant type: single nucleotide variant.
Coding change: c.2517G>A on transcript NM_172364.5 (MANE Select); coding-DNA position 2517, G replaced by A.
Protein change: p.Ala839=; no amino-acid change (alanine 839 retained).
Molecular consequence: synonymous variant.
Genome position (GRCh38, 1-based): chr12:1,840,773, C>T on the plus strand (G>A on the coding strand, the complement: CACNA2D4 is on the minus strand). VCF-style: chr12-1840773-C-T. GRCh37 (hg19) VCF-style: chr12-1949939-C-T.
Identifiers: ClinVar variation 100607 (VCV000100607.16), dbSNP rs33972365, ClinGen allele CA228952.
Genomic context (GRCh38, chr12:1,840,773, plus strand): 5'-CTCAACACCACAAGGGCCGTTCCTACCTGCAGCAATGGCTGTCCTCTTGTCCACGGTCAC[C>T]GCCACAGCTGTGCTTGCCGTCACCACCATGGGTTCACCCGCACTTTCTGGGGAAACAGAG-3'
Protein context (NP_758952.4, residues 829-849): PMVVTASTAV[Ala839=]VTVDKRTAIA